The following is an entry in ClinVar:

ClinVar aggregate classification (germline): Likely pathogenic (1 of 4 stars; one submission).

Conditions:
Bernard Soulier syndrome (BSS). Also called: Giant platelet syndrome; Hemorrhagiparous thrombocytic dystrophy; Giant platelet disease; BLEEDING DISORDER, PLATELET-TYPE, 1; GLYCOPROTEIN Ib, PLATELET, DEFICIENCY OF; PLATELET GLYCOPROTEIN Ib DEFICIENCY. Identifiers: Orphanet 274, MedGen C0005129, MeSH D001606, MONDO:0009276, OMIM 231200.

Allele frequency attached by ClinVar (database versions not stated): gnomAD exomes below 0.00001.

Submission:

3billion
Classification: Likely pathogenic for Bernard Soulier syndrome. Last evaluated: 2022-09-01. Review status: criteria provided, single submitter. Criteria: ACMG Guidelines, 2015. Collection method: clinical testing. Allele origin: germline. Affected: yes. Observed: 1 heterozygote.
Comment: The variant is observed at an extremely low frequency in the gnomAD v2.1.1 dataset (total allele frequency: <0.001%). Start lost variant. Therefore, this variant is classified as Likely pathogenic according to the recommendation of ACMG/AMP guideline.

NM_000407.5(GP1BB):c.2T>C (p.Met1Thr)

Genes: GP1BB (glycoprotein Ib platelet subunit beta; plus strand), SEPT5-GP1BB (SEPT5-GP1BB readthrough; plus strand). Cytogenetic location: 22q11.21.
Variant type: single nucleotide variant.
Coding change: c.2T>C on transcript NM_000407.5 (MANE Select); coding-DNA position 2, T replaced by C.
Protein change: p.Met1Thr; changes the start codon (methionine 1).
Molecular consequence: missense variant, initiator codon variant. On other transcripts: non-coding transcript variant (2).
Genome position (GRCh38, 1-based): chr22:19,723,571, T>C. VCF-style: chr22-19723571-T-C. GRCh37 (hg19) VCF-style: chr22-19711094-T-C.
Other names: short protein forms M1T.
Identifiers: ClinVar variation 1705376 (VCV001705376.2), dbSNP rs1402823262, ClinGen allele CA410676175.